The following is an entry in ClinVar:

ClinVar aggregate classification (germline): Likely pathogenic (1 of 4 stars; one submission).

Conditions:
Amyotrophic lateral sclerosis type 5 (ALS5). Also called: AMYOTROPHIC LATERAL SCLEROSIS 5, JUVENILE. Identifiers: Orphanet 300605, MedGen C1865864, MONDO:0011196, OMIM 602099.

gnomAD v4.1: 2 of 1,614,166 alleles (0.00012%); highest among the groups gnomAD compares: Non-Finnish European, 0.00017%; no homozygotes.

Submission:

3billion
Classification: Likely pathogenic for Amyotrophic lateral sclerosis type 5. Last evaluated: 2023-08-16. Review status: criteria provided, single submitter. Criteria: ACMG Guidelines, 2015. Collection method: clinical testing. Allele origin: germline. Affected: yes.
Comment: The variant is not observed in the gnomAD v2.1.1 dataset. Predicted Consequence/Location: Stop-gained (nonsense): predicted to result in a loss or disruption of normal protein function through nonsense-mediated decay (NMD) or protein truncation. Multiple pathogenic variants are reported downstream of the variant. Therefore, this variant is classified as Likely pathogenic according to the recommendation of ACMG/AMP guideline.

NM_025137.4(SPG11):c.4831C>T (p.Gln1611Ter)

Gene: SPG11 (SPG11 vesicle trafficking associated, spatacsin; minus strand). Cytogenetic location: 15q21.1.
Variant type: single nucleotide variant.
Coding change: c.4831C>T on transcript NM_025137.4 (MANE Select); coding-DNA position 4831, C replaced by T.
Protein change: p.Gln1611Ter; replaces glutamine 1611 with a stop codon.
Molecular consequence: nonsense.
Genome position (GRCh38, 1-based): chr15:44,589,327, G>A on the plus strand (C>T on the coding strand, the complement: SPG11 is on the minus strand). VCF-style: chr15-44589327-G-A. GRCh37 (hg19) VCF-style: chr15-44881525-G-A.
Other names: c.4831C>T, p.Gln1611Ter (NM_001160227.2, NM_001411132.1); short protein forms Q1611*.
Identifiers: ClinVar variation 3775228 (VCV003775228.1).